The following is an entry in ClinVar:

ClinVar aggregate classification (germline): Uncertain significance. Review status: criteria provided, multiple submitters, no conflicts (2 of 4 stars). 5 submissions from 5 submitters: Uncertain significance (5). Last evaluated 2025-09-01.

Conditions:
Loeys-Dietz syndrome (LDS). Identifiers: Orphanet 60030, MedGen C2697932, MONDO:0018954.
Familial thoracic aortic aneurysm and aortic dissection (TAAD). Also called: Thoracic aortic aneurysms and dissections. Identifiers: Orphanet 91387, MedGen C4707243, MONDO:0019625.

gnomAD v4.1: 2 of 1,613,616 alleles (0.00012%); highest among the groups gnomAD compares: Non-Finnish European, 0.00017%; no homozygotes.

Submissions (5):

Labcorp Genetics (formerly Invitae), Labcorp
Classification: Uncertain significance for Familial thoracic aortic aneurysm and aortic dissection. Last evaluated: 2025-09-01. Review status: criteria provided, single submitter. Criteria: Invitae Variant Classification Sherloc (09022015). Collection method: clinical testing. Allele origin: germline.
Comment: This sequence change replaces alanine, which is neutral and non-polar, with valine, which is neutral and non-polar, at codon 33 of the TGFBR1 protein (p.Ala33Val). This variant is not present in population databases (gnomAD no frequency). This variant has not been reported in the literature in individuals affected with TGFBR1-related conditions. ClinVar contains an entry for this variant (Variation ID: 520229). Experimental studies and prediction algorithms are not available or were not evaluated, and the functional significance of this variant is currently unknown. In summary, the available evidence is currently insufficient to determine the role of this variant in disease. Therefore, it has been classified as a Variant of Uncertain Significance.

Centre of Medical Genetics, University of Antwerp
Classification: Uncertain significance for Familial thoracic aortic aneurysm and aortic dissection. Last evaluated: 2024-09-06. Review status: criteria provided, single submitter. Criteria: ACMG Guidelines, 2015. Collection method: clinical testing. Allele origin: germline. Affected: yes.

All of Us Research Program, National Institutes of Health
Classification: Uncertain significance for Loeys-Dietz syndrome. Last evaluated: 2024-01-11. Review status: criteria provided, single submitter. Criteria: ACMG Guidelines, 2015. Collection method: clinical testing. Allele origin: germline. Inheritance: Autosomal dominant inheritance. Observed: 1 variant allele, 1 heterozygote.
Comment: This missense variant replaces alanine with valine at codon 33 of the TGFBR1 protein. Computational prediction suggests that this variant may not impact protein structure and function (internally defined REVEL score threshold <= 0.5, PMID: 27666373). To our knowledge, functional studies have not been reported for this variant. This variant has not been reported in individuals affected with cardiovascular disorders in the literature. This variant has not been identified in the general population by the Genome Aggregation Database (gnomAD). The available evidence is insufficient to determine the role of this variant in disease conclusively. Therefore, this variant is classified as a Variant of Uncertain Significance.

This study involves interpretation of variants in research participants for the purpose of population health screening. Participant phenotype was not available at the time of variant classification. Additional details can be found in publication PMID: 35346344, PMCID: PMC8962531

Ambry Genetics
Classification: Uncertain significance for Familial thoracic aortic aneurysm and aortic dissection. Last evaluated: 2022-05-11. Review status: criteria provided, single submitter. Criteria: Ambry Variant Classification Scheme 2023. Collection method: clinical testing. Allele origin: germline.

Color Diagnostics, LLC DBA Color Health
Classification: Uncertain significance for Familial thoracic aortic aneurysm and aortic dissection. Last evaluated: 2022-02-07. Review status: criteria provided, single submitter. Criteria: ACMG Guidelines, 2015. Collection method: clinical testing. Allele origin: germline.
Comment: This missense variant replaces alanine with valine at codon 33 of the TGFBR1 protein. Computational prediction suggests that this variant may not impact protein structure and function (internally defined REVEL score threshold <= 0.5, PMID: 27666373). To our knowledge, functional studies have not been reported for this variant. This variant has not been reported in individuals affected with cardiovascular disorders in the literature. This variant has not been identified in the general population by the Genome Aggregation Database (gnomAD). The available evidence is insufficient to determine the role of this variant in disease conclusively. Therefore, this variant is classified as a Variant of Uncertain Significance.

NM_004612.4(TGFBR1):c.98C>T (p.Ala33Val)

Gene: TGFBR1 (transforming growth factor beta receptor 1; plus strand). Cytogenetic location: 9q22.33.
Variant type: single nucleotide variant.
Coding change: c.98C>T on transcript NM_004612.4 (MANE Select); coding-DNA position 98, C replaced by T.
Protein change: p.Ala33Val; replaces alanine 33 with valine.
Molecular consequence: missense variant.
Genome position (GRCh38, 1-based): chr9:99,128,855, C>T. VCF-style: chr9-99128855-C-T. GRCh37 (hg19) VCF-style: chr9-101891137-C-T.
Other names: c.98C>T, p.Ala33Val (NM_001130916.3, NM_001306210.2); short protein forms A33V.
Identifiers: ClinVar variation 520229 (VCV000520229.10), dbSNP rs1554698880, ClinGen allele CA374224884.